The following is an entry in ClinVar:

ClinVar aggregate classification (germline): Uncertain significance (1 of 4 stars; one submission).

Conditions:
Hereditary cancer-predisposing syndrome. Also called: Tumor predisposition; Hereditary Cancer Syndrome; Hereditary neoplastic syndrome; Neoplastic Syndromes, Hereditary. Identifiers: Orphanet 140162, MedGen C0027672, MeSH D009386, MONDO:0015356.

Submission:

Ambry Genetics
Classification: Uncertain significance for Hereditary cancer-predisposing syndrome. Last evaluated: 2026-07-30. Review status: criteria provided, single submitter. Criteria: Ambry Variant Classification Scheme 2023. Collection method: clinical testing. Allele origin: germline.
Comment: The p.K652E variant (also known as c.1954A>G), located in coding exon 19 of the RB1 gene, results from an A to G substitution at nucleotide position 1954. The lysine at codon 652 is replaced by glutamic acid, an amino acid with similar properties. This amino acid position is highly conserved in available vertebrate species. In addition, this alteration is predicted to be deleterious by in silico analysis. Based on the available evidence, the clinical significance of this variant remains unclear.

NM_000321.3(RB1):c.1954A>G (p.Lys652Glu)

Gene: RB1 (RB transcriptional corepressor 1; plus strand). Cytogenetic location: 13q14.2.
Variant type: single nucleotide variant.
Coding change: c.1954A>G on transcript NM_000321.3 (MANE Select); coding-DNA position 1954, A replaced by G.
Protein change: p.Lys652Glu; replaces lysine 652 with glutamic acid.
Molecular consequence: missense variant.
Genome position (GRCh38, 1-based): chr13:48,456,343, A>G. VCF-style: chr13-48456343-A-G. GRCh37 (hg19) VCF-style: chr13-49030479-A-G.
Other names: c.1954A>G, p.Lys652Glu (NM_001407165.1); short protein forms K652E.
Identifiers: ClinVar variation 3430861 (VCV003430861.2).